The following is an entry in ClinVar:

ClinVar aggregate classification (germline): Likely benign (0 of 4 stars; one submission).

Conditions:
RAB3GAP1-related disorder. Also called: RAB3GAP1-related condition; RAB3GAP1-related disorders.

Submission:

PreventionGenetics, part of Exact Sciences
Classification: Likely benign for RAB3GAP1-related condition. Last evaluated: 2024-08-15. Review status: no assertion criteria provided. Collection method: clinical testing. Allele origin: germline.
Comment: This variant is classified as likely benign based on ACMG/AMP sequence variant interpretation guidelines (Richards et al. 2015 PMID: 25741868, with internal and published modifications).

NM_012233.3(RAB3GAP1):c.984C>T (p.Val328=)

Gene: RAB3GAP1 (RAB3 GTPase activating protein catalytic subunit 1; plus strand). Cytogenetic location: 2q21.3.
Variant type: single nucleotide variant.
Coding change: c.984C>T on transcript NM_012233.3 (MANE Select); coding-DNA position 984, C replaced by T.
Protein change: p.Val328=; no amino-acid change (valine 328 retained).
Molecular consequence: synonymous variant.
Genome position (GRCh38, 1-based): chr2:135,130,005, C>T. VCF-style: chr2-135130005-C-T. GRCh37 (hg19) VCF-style: chr2-135887575-C-T.
Other names: c.984C>T, p.Val328= (NM_001172435.2).
Identifiers: ClinVar variation 3354745 (VCV003354745.1).